The following is an entry in ClinVar:

NM_014874.4(MFN2):c.1666T>C (p.Phe556Leu)

Genes: MFN2 (mitofusin 2; plus strand), LOC129929426 (ATAC-STARR-seq lymphoblastoid active region 185; plus strand). Cytogenetic location: 1p36.22.
Variant type: single nucleotide variant.
Coding change: c.1666T>C on transcript NM_014874.4 (MANE Select); coding-DNA position 1666, T replaced by C.
Protein change: p.Phe556Leu; replaces phenylalanine 556 with leucine.
Molecular consequence: missense variant.
Genome position (GRCh38, 1-based): chr1:12,005,881, T>C. VCF-style: chr1-12005881-T-C. GRCh37 (hg19) VCF-style: chr1-12065938-T-C.
Other names: c.1666T>C, p.Phe556Leu (NM_001127660.2); short protein forms F556L.
Identifiers: ClinVar variation 3681274 (VCV003681274.2).

ClinVar aggregate classification (germline): Uncertain significance (1 of 4 stars; one submission).

Conditions:
Charcot-Marie-Tooth disease type 2. Also called: Charcot-Marie-Tooth type 2. Identifiers: Orphanet 64746, MedGen C0270914, MONDO:0018993.

Submission:

Labcorp Genetics (formerly Invitae), Labcorp
Classification: Uncertain significance for Charcot-Marie-Tooth disease type 2. Last evaluated: 2024-03-13. Review status: criteria provided, single submitter. Criteria: Invitae Variant Classification Sherloc (09022015). Collection method: clinical testing. Allele origin: germline.
Comment: This sequence change replaces phenylalanine, which is neutral and non-polar, with leucine, which is neutral and non-polar, at codon 556 of the MFN2 protein (p.Phe556Leu). This variant is not present in population databases (gnomAD no frequency). This variant has not been reported in the literature in individuals affected with MFN2-related conditions. Advanced modeling of protein sequence and biophysical properties (such as structural, functional, and spatial information, amino acid conservation, physicochemical variation, residue mobility, and thermodynamic stability) has been performed at Invitae for this missense variant, however the output from this modeling did not meet the statistical confidence thresholds required to predict the impact of this variant on MFN2 protein function. In summary, the available evidence is currently insufficient to determine the role of this variant in disease. Therefore, it has been classified as a Variant of Uncertain Significance.